The following is an entry in ClinVar:

ClinVar aggregate classification (germline): Uncertain significance (1 of 4 stars; one submission).

Conditions:
SLC12A6-related disorder. Also called: SLC12A6-related condition.

gnomAD v4.1: 30 of 1,579,820 alleles (0.0019%); highest among the groups gnomAD compares: Non-Finnish European, 0.0026%; no homozygotes.

Submission:

PreventionGenetics, part of Exact Sciences
Classification: Uncertain significance for SLC12A6-related condition. Last evaluated: 2026-02-04. Review status: criteria provided, single submitter. Criteria: ACMG Guidelines, 2015. Collection method: clinical testing. Allele origin: germline.
Comment: The SLC12A6 c.362A>C variant is predicted to result in the amino acid substitution p.Asn121Thr. To our knowledge, this variant has not been reported in the literature. This variant is reported in 0.0018% of alleles in individuals of European (non-Finnish) descent in gnomAD. At this time, the clinical significance of this variant is uncertain due to the absence of conclusive functional and genetic evidence.

NM_001365088.1(SLC12A6):c.362A>C (p.Asn121Thr)

Gene: SLC12A6 (solute carrier family 12 member 6; minus strand). Cytogenetic location: 15q14.
Variant type: single nucleotide variant.
Coding change: c.362A>C on transcript NM_001365088.1 (MANE Select); coding-DNA position 362, A replaced by C.
Protein change: p.Asn121Thr; replaces asparagine 121 with threonine.
Molecular consequence: missense variant.
Genome position (GRCh38, 1-based): chr15:34,260,975, T>G on the plus strand (A>C on the coding strand, the complement: SLC12A6 is on the minus strand). VCF-style: chr15-34260975-T-G. GRCh37 (hg19) VCF-style: chr15-34553176-T-G.
Other names: c.185A>C, p.Asn62Thr (NM_001042494.2, NM_001042495.2); c.335A>C, p.Asn112Thr (NM_001042496.2); c.317A>C, p.Asn106Thr (NM_001042497.2); c.209A>C, p.Asn70Thr (NM_005135.2); c.362A>C, p.Asn121Thr (NM_133647.2); short protein forms N112T, N62T, N121T, N70T, N106T.
Identifiers: ClinVar variation 4982151 (VCV004982151.1).